The following is an entry in ClinVar:

ClinVar aggregate classification (germline): Uncertain significance (1 of 4 stars; one submission).

Allele frequency attached by ClinVar (database versions not stated): gnomAD exomes below 0.00001.
gnomAD v4.1: 2 of 1,241,860 alleles (0.00016%); highest among the groups gnomAD compares: Non-Finnish European, 0.0002%; no homozygotes.

Submission:

Labcorp Genetics (formerly Invitae), Labcorp
Classification: Uncertain significance. Last evaluated: 2022-11-03. Review status: criteria provided, single submitter. Criteria: Invitae Variant Classification Sherloc (09022015). Collection method: clinical testing. Allele origin: germline.
Comment: This variant has not been reported in the literature in individuals affected with HMX1-related conditions. In summary, the available evidence is currently insufficient to determine the role of this variant in disease. Therefore, it has been classified as a Variant of Uncertain Significance. Algorithms developed to predict the effect of missense changes on protein structure and function are either unavailable or do not agree on the potential impact of this missense change (SIFT: "Tolerated"; PolyPhen-2: "Not Available"; Align-GVGD: "Class C0"). ClinVar contains an entry for this variant (Variation ID: 1020983). This variant is not present in population databases (gnomAD no frequency). This sequence change replaces alanine, which is neutral and non-polar, with valine, which is neutral and non-polar, at codon 85 of the HMX1 protein (p.Ala85Val).

NM_018942.3(HMX1):c.254C>T (p.Ala85Val)

Gene: HMX1 (H6 family homeobox 1; minus strand). Cytogenetic location: 4p16.1.
Variant type: single nucleotide variant.
Coding change: c.254C>T on transcript NM_018942.3 (MANE Select); coding-DNA position 254, C replaced by T.
Protein change: p.Ala85Val; replaces alanine 85 with valine.
Molecular consequence: missense variant.
Genome position (GRCh38, 1-based): chr4:8,871,361, G>A on the plus strand (C>T on the coding strand, the complement: HMX1 is on the minus strand). VCF-style: chr4-8871361-G-A. GRCh37 (hg19) VCF-style: chr4-8873087-G-A.
Other names: c.254C>T, p.Ala85Val (NM_001306142.2); short protein forms A85V.
Identifiers: ClinVar variation 1020983 (VCV001020983.8), dbSNP rs1722212738, ClinGen allele CA356279010.